The following is an entry in ClinVar:

ClinVar aggregate classification (germline): Conflicting classifications of pathogenicity. Review status: criteria provided, conflicting classifications (1 of 4 stars). 2 submissions from 2 submitters: Uncertain significance (1); Likely benign (1). Last evaluated 2026-07-06.

Conditions:
Gorlin syndrome. Also called: Nevoid Basal Cell Carcinoma Syndrome; Basal cell nevus syndrome. Identifiers: Orphanet 377, MedGen C0004779, MONDO:0007187.
Hereditary cancer-predisposing syndrome. Also called: Tumor predisposition; Hereditary Cancer Syndrome; Hereditary neoplastic syndrome; Neoplastic Syndromes, Hereditary. Identifiers: Orphanet 140162, MedGen C0027672, MeSH D009386, MONDO:0015356.

Allele frequency attached by ClinVar (database versions not stated): gnomAD exomes below 0.00001; ExAC 0.00001.

Submissions (2):

Ambry Genetics
Classification: Uncertain significance for Hereditary cancer-predisposing syndrome. Last evaluated: 2026-07-06. Review status: criteria provided, single submitter. Criteria: Ambry Variant Classification Scheme 2023. Collection method: clinical testing. Allele origin: germline.
Comment: The p.M335T variant (also known as c.1004T>C), located in coding exon 7 of the PTCH1 gene, results from a T to C substitution at nucleotide position 1004. The methionine at codon 335 is replaced by threonine, an amino acid with similar properties. This amino acid position is conserved. In addition, this alteration is predicted to be deleterious by in silico analysis. Based on the available evidence, the clinical significance of this variant remains unclear.

Labcorp Genetics (formerly Invitae), Labcorp
Classification: Likely benign for Gorlin syndrome. Last evaluated: 2022-12-06. Review status: criteria provided, single submitter. Criteria: Invitae Variant Classification Sherloc (09022015). Collection method: clinical testing. Allele origin: germline.

NM_000264.5(PTCH1):c.1004T>C (p.Met335Thr)

Gene: PTCH1 (patched 1; minus strand). Cytogenetic location: 9q22.32.
Variant type: single nucleotide variant.
Coding change: c.1004T>C on transcript NM_000264.5 (MANE Select); coding-DNA position 1004, T replaced by C.
Protein change: p.Met335Thr; replaces methionine 335 with threonine.
Molecular consequence: missense variant. On other transcripts: non-coding transcript variant (1).
Genome position (GRCh38, 1-based): chr9:95,480,032, A>G on the plus strand (T>C on the coding strand, the complement: PTCH1 is on the minus strand). VCF-style: chr9-95480032-A-G. GRCh37 (hg19) VCF-style: chr9-98242314-A-G.
Other names: c.1004T>C (NM_000264.3); c.806T>C, p.Met269Thr (NM_001083602.3); c.1001T>C, p.Met334Thr (NM_001083603.3); c.551T>C, p.Met184Thr (NM_001083604.3, NM_001083605.3, NM_001083606.3 and 1 more transcripts); c.1004T>C, p.Met335Thr (NM_001354918.2); short protein forms M184T, M269T, M334T, M335T.
Identifiers: ClinVar variation 1008890 (VCV001008890.11), dbSNP rs749049752, ClinGen allele CA5138789.
Genomic context (GRCh38, chr9:95,480,032, plus strand): 5'-ACGAGTTTTCCAGTGCTGTTCTTGACTGTGCCACCCACAATCAACTCCTCCTGCCAGTGC[A>G]TATACTTTCTGGATAAGCCATGACATCCACCATTCAAAACAAGGGCCATATCAAGAGGCT-3'
Protein context (NP_000255.2, residues 325-345): GGCHGLSRKY[Met335Thr]HWQEELIVGG